The following is an entry in ClinVar:

NM_000255.4(MMUT):c.934G>T (p.Gly312Ter)

Gene: MMUT (methylmalonyl-CoA mutase; minus strand). Cytogenetic location: 6p12.3.
Variant type: single nucleotide variant.
Coding change: c.934G>T on transcript NM_000255.4 (MANE Select); coding-DNA position 934, G replaced by T.
Protein change: p.Gly312Ter; replaces glycine 312 with a stop codon.
Molecular consequence: nonsense.
Genome position (GRCh38, 1-based): chr6:49,453,734, C>A on the plus strand (G>T on the coding strand, the complement: MMUT is on the minus strand). VCF-style: chr6-49453734-C-A. GRCh37 (hg19) VCF-style: chr6-49421447-C-A.
Other names: short protein forms G312*.
Identifiers: ClinVar variation 984151 (VCV000984151.6), dbSNP rs1767617149, ClinGen allele CA364400987.

ClinVar aggregate classification (germline): Pathogenic/Likely pathogenic. Review status: criteria provided, multiple submitters, no conflicts (2 of 4 stars). 2 submissions from 2 submitters: Pathogenic (1); Likely pathogenic (1). Last evaluated 2023-12-09.

Conditions:
Methylmalonic aciduria due to methylmalonyl-CoA mutase deficiency (MAMM). Also called: Methylmalonic aciduria, mut type. Identifiers: Orphanet 27, MedGen C1855114, MONDO:0009612, OMIM 251000.

Submissions (2):

Labcorp Genetics (formerly Invitae), Labcorp
Classification: Pathogenic. Last evaluated: 2023-12-09. Review status: criteria provided, single submitter. Criteria: Invitae Variant Classification Sherloc (09022015). Collection method: clinical testing. Allele origin: germline.
Comment: This sequence change creates a premature translational stop signal (p.Gly312*) in the MUT gene. It is expected to result in an absent or disrupted protein product. Loss-of-function variants in MUT are known to be pathogenic (PMID: 15781192). This variant is not present in population databases (gnomAD no frequency). This variant has not been reported in the literature in individuals affected with MUT-related conditions. ClinVar contains an entry for this variant (Variation ID: 984151). For these reasons, this variant has been classified as Pathogenic.

Myriad Genetics, Inc.
Classification: Likely pathogenic for Methylmalonic aciduria due to methylmalonyl-CoA mutase deficiency. Last evaluated: 2019-05-05. Review status: criteria provided, single submitter. Criteria: Myriad Women's Health Autosomal Recessive and X-Linked Classification Criteria (2019). Collection method: clinical testing. Allele origin: unknown.
Comment: NM_000255.3(MUT):c.934G>T(G312*) is expected to be pathogenic in the context of MUT-related methylmalonic acidemia. This variant is predicted to lead to an abnormal or absent protein product due to the creation of a premature termination codon in MUT, a gene where loss-of-function variants are known to be pathogenic. Please note: this variant was assessed in the context of healthy population screening.

Literature cited by the submitters: PubMed 15781192 (cited by Labcorp Genetics (formerly Invitae), Labcorp).